The following is an entry in ClinVar:

NM_002471.4(MYH6):c.5804T>C (p.Met1935Thr)

Gene: MYH6 (myosin heavy chain 6; minus strand). Cytogenetic location: 14q11.2.
Variant type: single nucleotide variant.
Coding change: c.5804T>C on transcript NM_002471.4 (MANE Select); coding-DNA position 5804, T replaced by C.
Protein change: p.Met1935Thr; replaces methionine 1935 with threonine.
Molecular consequence: missense variant.
Genome position (GRCh38, 1-based): chr14:23,382,056, A>G on the plus strand (T>C on the coding strand, the complement: MYH6 is on the minus strand). VCF-style: chr14-23382056-A-G. GRCh37 (hg19) VCF-style: chr14-23851265-A-G.
Other names: short protein forms M1935T.
Identifiers: ClinVar variation 1426625 (VCV001426625.8), dbSNP rs377133201, ClinGen allele CA257775019.

ClinVar aggregate classification (germline): Uncertain significance (1 of 4 stars; one submission).

Conditions:
Hypertrophic cardiomyopathy 14. Identifiers: MedGen C2750467, MONDO:0013197, OMIM 613251.

Allele frequency attached by ClinVar (database versions not stated): gnomAD exomes below 0.00001; gnomAD 0.00001; ESP Exome Variant Server 0.00008.

Submission:

Labcorp Genetics (formerly Invitae), Labcorp
Classification: Uncertain significance for Hypertrophic cardiomyopathy 14. Last evaluated: 2021-05-30. Review status: criteria provided, single submitter. Criteria: Invitae Variant Classification Sherloc (09022015). Collection method: clinical testing. Allele origin: germline.
Comment: This sequence change replaces methionine with threonine at codon 1935 of the MYH6 protein (p.Met1935Thr). The methionine residue is weakly conserved and there is a moderate physicochemical difference between methionine and threonine. This variant is not present in population databases (ExAC no frequency). This variant has not been reported in the literature in individuals with MYH6-related conditions. Algorithms developed to predict the effect of missense changes on protein structure and function (SIFT, PolyPhen-2, Align-GVGD) all suggest that this variant is likely to be tolerated, but these predictions have not been confirmed by published functional studies and their clinical significance is uncertain. In summary, the available evidence is currently insufficient to determine the role of this variant in disease. Therefore, it has been classified as a Variant of Uncertain Significance.